The following is an entry in ClinVar:

ClinVar aggregate classification (germline): Uncertain significance (1 of 4 stars; one submission).

Conditions:
Schuurs-Hoeijmakers syndrome. Also called: PACS1-Related Neurodevelopmental Disorder. Identifiers: Orphanet 329224, MedGen C3554343, MONDO:0014006, OMIM 615009.

Allele frequency attached by ClinVar (database versions not stated): TOPMed 0.00001; ESP Exome Variant Server 0.00008; ExAC 0.00002.
gnomAD v4.1: 19 of 1,614,040 alleles (0.0012%); highest among the groups gnomAD compares: East Asian, 0.0045%; no homozygotes.

Submission:

Labcorp Genetics (formerly Invitae), Labcorp
Classification: Uncertain significance for Schuurs-Hoeijmakers syndrome. Last evaluated: 2024-10-30. Review status: criteria provided, single submitter. Criteria: Invitae Variant Classification Sherloc (09022015). Collection method: clinical testing. Allele origin: germline.
Comment: This sequence change replaces threonine, which is neutral and polar, with methionine, which is neutral and non-polar, at codon 719 of the PACS1 protein (p.Thr719Met). This variant is present in population databases (rs375962872, gnomAD 0.007%). This variant has not been reported in the literature in individuals affected with PACS1-related conditions. ClinVar contains an entry for this variant (Variation ID: 2144963). Invitae Evidence Modeling of protein sequence and biophysical properties (such as structural, functional, and spatial information, amino acid conservation, physicochemical variation, residue mobility, and thermodynamic stability) indicates that this missense variant is not expected to disrupt PACS1 protein function with a negative predictive value of 80%. In summary, the available evidence is currently insufficient to determine the role of this variant in disease. Therefore, it has been classified as a Variant of Uncertain Significance.

NM_018026.4(PACS1):c.2156C>T (p.Thr719Met)

Gene: PACS1 (phosphofurin acidic cluster sorting protein 1; plus strand). Cytogenetic location: 11q13.2.
Variant type: single nucleotide variant.
Coding change: c.2156C>T on transcript NM_018026.4 (MANE Select); coding-DNA position 2156, C replaced by T.
Protein change: p.Thr719Met; replaces threonine 719 with methionine.
Molecular consequence: missense variant.
Genome position (GRCh38, 1-based): chr11:66,235,352, C>T. VCF-style: chr11-66235352-C-T. GRCh37 (hg19) VCF-style: chr11-66002823-C-T.
Other names: short protein forms T719M.
Identifiers: ClinVar variation 2144963 (VCV002144963.4), dbSNP rs375962872, ClinGen allele CA6116797.